The following is an entry in ClinVar:

ClinVar aggregate classification (germline): Likely benign (1 of 4 stars; one submission).

gnomAD v4.1: 11 of 1,604,436 alleles (0.00069%); highest among the groups gnomAD compares: East Asian, 0.0067%; no homozygotes.

Submission:

CeGaT Center for Human Genetics Tuebingen
Classification: Likely benign. Last evaluated: 2022-06-01. Review status: criteria provided, single submitter. Criteria: CeGaT Center For Human Genetics Tuebingen Variant Classification Criteria Version 2. Collection method: clinical testing. Allele origin: germline. Affected: yes. Observed: 1 variant allele.
Comment: THBS2: BP4, BP7

NM_003247.5(THBS2):c.1068G>A (p.Pro356=)

Gene: THBS2 (thrombospondin 2; minus strand). Cytogenetic location: 6q27.
Variant type: single nucleotide variant.
Coding change: c.1068G>A on transcript NM_003247.5 (MANE Select); coding-DNA position 1068, G replaced by A.
Protein change: p.Pro356=; no amino-acid change (proline 356 retained).
Molecular consequence: synonymous variant. On other transcripts: non-coding transcript variant (2).
Genome position (GRCh38, 1-based): chr6:169,239,660, C>T on the plus strand (G>A on the coding strand, the complement: THBS2 is on the minus strand). VCF-style: chr6-169239660-C-T. GRCh37 (hg19) VCF-style: chr6-169639755-C-T.
Other names: c.1068G>A, p.Pro356= (NM_001381939.1, NM_001381940.1); c.837G>A, p.Pro279= (NM_001381942.1).
Identifiers: ClinVar variation 2657144 (VCV002657144.24), dbSNP rs1013908512, ClinGen allele CA152119393.
Genomic context (GRCh38, chr6:169,239,660, plus strand): 5'-GTGGAGGCAGGAAGGGCAGCATTCGCCTTCCACAAAGGATGGACTGGCGCAGGTTGCAGG[C>T]GGGCAGGTGATTTGGTGGCAAATGGTTTTAAATTTCTACAAGTGAAGAAAGGCATGCATG-3'
Protein context (NP_003238.2, residues 346-366): FKTICHQITC[Pro356=]PATCASPSFV